The following is an entry in ClinVar:

ClinVar aggregate classification (germline): Uncertain significance (1 of 4 stars; one submission).

gnomAD v4.1: 1 of 1,614,054 alleles (0.000062%); highest among the groups gnomAD compares: Non-Finnish European, 0.000085%; no homozygotes.

Submission:

Labcorp Genetics (formerly Invitae), Labcorp
Classification: Uncertain significance. Last evaluated: 2025-12-21. Review status: criteria provided, single submitter. Criteria: Invitae Variant Classification Sherloc (09022015). Collection method: clinical testing. Allele origin: germline.
Comment: This sequence change replaces valine, which is neutral and non-polar, with glycine, which is neutral and non-polar, at codon 162 of the GJB3 protein (p.Val162Gly). This variant is not present in population databases (gnomAD no frequency). This variant has not been reported in the literature in individuals affected with GJB3-related conditions. Invitae Evidence Modeling of protein sequence and biophysical properties (such as structural, functional, and spatial information, amino acid conservation, physicochemical variation, residue mobility, and thermodynamic stability) indicates that this missense variant is expected to disrupt GJB3 protein function with a positive predictive value of 80%. In summary, the available evidence is currently insufficient to determine the role of this variant in disease. Therefore, it has been classified as a Variant of Uncertain Significance.

NM_024009.3(GJB3):c.485T>G (p.Val162Gly)

Gene: GJB3 (gap junction protein beta 3; plus strand). Cytogenetic location: 1p34.3.
Variant type: single nucleotide variant.
Coding change: c.485T>G on transcript NM_024009.3 (MANE Select); coding-DNA position 485, T replaced by G.
Protein change: p.Val162Gly; replaces valine 162 with glycine.
Molecular consequence: missense variant.
Genome position (GRCh38, 1-based): chr1:34,785,247, T>G. VCF-style: chr1-34785247-T-G. GRCh37 (hg19) VCF-style: chr1-35250848-T-G.
Other names: c.485T>G, p.Val162Gly (NM_001005752.2); short protein forms V162G.
Identifiers: ClinVar variation 4761866 (VCV004761866.1).
Genomic context (GRCh38, chr1:34,785,247, plus strand): 5'-AGTTCCTCTTCCTCTACCTGCTGCACACTCTCTGGCATGGCTTCAATATGCCGCGCCTGG[T>G]GCAGTGTGCCAACGTGGCCCCCTGCCCCAACATCGTGGACTGCTACATTGCCCGACCTAC-3'
Protein context (NP_076872.1, residues 152-172): LWHGFNMPRL[Val162Gly]QCANVAPCPN